The following is an entry in ClinVar:

ClinVar aggregate classification (germline): Uncertain significance. Review status: criteria provided, multiple submitters, no conflicts (2 of 4 stars). 3 submissions from 3 submitters: Uncertain significance (3). Last evaluated 2024-11-12.

Conditions:
Immunodeficiency 51 (IMD51). Also called: CANDIDIASIS, FAMILIAL, 5. Identifiers: Orphanet 1334, MedGen C4310803, MONDO:0013500, OMIM 613953.

Allele frequency attached by ClinVar (database versions not stated): gnomAD 0.00007 and 0.00008; ESP Exome Variant Server 0.00008; TOPMed 0.00010; gnomAD exomes 0.00014; ExAC 0.00017.
gnomAD v4.1: 124 of 1,614,050 alleles (0.0077%); highest among the groups gnomAD compares: Admixed American, 0.033%; no homozygotes.

Submissions (3):

Ambry Genetics
Classification: Uncertain significance. Last evaluated: 2024-11-12. Review status: criteria provided, single submitter. Criteria: Ambry Variant Classification Scheme 2023. Collection method: clinical testing. Allele origin: germline.

Blueprint Genetics
Classification: Uncertain significance. Last evaluated: 2024-11-11. Review status: criteria provided, single submitter. Criteria: ACMG Guidelines, 2015. Collection method: clinical testing. Allele origin: germline.

Labcorp Genetics (formerly Invitae), Labcorp
Classification: Uncertain significance for Immunodeficiency 51. Last evaluated: 2022-10-24. Review status: criteria provided, single submitter. Criteria: Invitae Variant Classification Sherloc (09022015). Collection method: clinical testing. Allele origin: germline.
Comment: This sequence change replaces arginine, which is basic and polar, with histidine, which is basic and polar, at codon 124 of the IL17RA protein (p.Arg124His). This variant is present in population databases (rs367569746, gnomAD 0.05%). This variant has not been reported in the literature in individuals affected with IL17RA-related conditions. ClinVar contains an entry for this variant (Variation ID: 971421). Advanced modeling of protein sequence and biophysical properties (such as structural, functional, and spatial information, amino acid conservation, physicochemical variation, residue mobility, and thermodynamic stability) performed at Invitae indicates that this missense variant is not expected to disrupt IL17RA protein function. In summary, the available evidence is currently insufficient to determine the role of this variant in disease. Therefore, it has been classified as a Variant of Uncertain Significance.

NM_014339.7(IL17RA):c.371G>A (p.Arg124His)

Gene: IL17RA (interleukin 17 receptor A; plus strand). Cytogenetic location: 22q11.1.
Variant type: single nucleotide variant.
Coding change: c.371G>A on transcript NM_014339.7 (MANE Select); coding-DNA position 371, G replaced by A.
Protein change: p.Arg124His; replaces arginine 124 with histidine.
Molecular consequence: missense variant.
Genome position (GRCh38, 1-based): chr22:17,098,835, G>A. VCF-style: chr22-17098835-G-A. GRCh37 (hg19) VCF-style: chr22-17579725-G-A.
Other names: c.371G>A (NM_014339.5); c.371G>A, p.Arg124His (NM_001289905.2); short protein forms R124H.
Identifiers: ClinVar variation 971421 (VCV000971421.9), dbSNP rs367569746, ClinGen allele CA10086324.